The following is an entry in ClinVar:

NM_006080.3(SEMA3A):c.1145C>T (p.Pro382Leu)

Gene: SEMA3A (semaphorin 3A; minus strand). Cytogenetic location: 7q21.11.
Variant type: single nucleotide variant.
Coding change: c.1145C>T on transcript NM_006080.3 (MANE Select); coding-DNA position 1145, C replaced by T.
Protein change: p.Pro382Leu; replaces proline 382 with leucine.
Molecular consequence: missense variant.
Genome position (GRCh38, 1-based): chr7:84,005,554, G>A on the plus strand (C>T on the coding strand, the complement: SEMA3A is on the minus strand). VCF-style: chr7-84005554-G-A. GRCh37 (hg19) VCF-style: chr7-83634870-G-A.
Other names: short protein forms P382L.
Identifiers: ClinVar variation 4978480 (VCV004978480.1).

ClinVar aggregate classification (germline): Uncertain significance (1 of 4 stars; one submission).

Conditions:
SEMA3A-related disorder. Also called: SEMA3A-related condition.

gnomAD v4.1: 1 of 1,603,998 alleles (0.000062%); highest among the groups gnomAD compares: East Asian, 0.0022%; no homozygotes.

Submission:

PreventionGenetics, part of Exact Sciences
Classification: Uncertain significance for SEMA3A-related condition. Last evaluated: 2025-04-30. Review status: criteria provided, single submitter. Criteria: ACMG Guidelines, 2015. Collection method: clinical testing. Allele origin: germline.
Comment: The SEMA3A c.1145C>T variant is predicted to result in the amino acid substitution p.Pro382Leu. To our knowledge, this variant has not been reported in the literature. This variant is reported in 0.0054% of alleles in individuals of East Asian descent in gnomAD. At this time, the clinical significance of this variant is uncertain due to the absence of conclusive functional and genetic evidence.